The following is an entry in ClinVar:

NM_000075.4(CDK4):c.310C>A (p.Leu104Met)

Gene: CDK4 (cyclin dependent kinase 4; minus strand). Cytogenetic location: 12q14.1.
Variant type: single nucleotide variant.
Coding change: c.310C>A on transcript NM_000075.4 (MANE Select); coding-DNA position 310, C replaced by A.
Protein change: p.Leu104Met; replaces leucine 104 with methionine.
Molecular consequence: missense variant.
Genome position (GRCh38, 1-based): chr12:57,751,251, G>T on the plus strand (C>A on the coding strand, the complement: CDK4 is on the minus strand). VCF-style: chr12-57751251-G-T. GRCh37 (hg19) VCF-style: chr12-58145034-G-T.
Other names: short protein forms L104M.
Identifiers: ClinVar variation 483291 (VCV000483291.25), dbSNP rs759535768, ClinGen allele CA6657845.

ClinVar aggregate classification (germline): Uncertain significance. Review status: criteria provided, multiple submitters, no conflicts (2 of 4 stars). 4 submissions from 4 submitters: Uncertain significance (4). Last evaluated 2025-09-05.

Conditions:
Familial melanoma. Also called: Hereditary melanoma; Hereditary cutaneous melanoma. Identifiers: Orphanet 618, MedGen C1512419, MONDO:0018961.
Hereditary cancer-predisposing syndrome. Also called: Neoplastic Syndromes, Hereditary; Tumor predisposition; Hereditary Cancer Syndrome; Hereditary neoplastic syndrome. Identifiers: Orphanet 140162, MedGen C0027672, MeSH D009386, MONDO:0015356.

Allele frequency attached by ClinVar (database versions not stated): gnomAD exomes below 0.00001 and 0.00002; ExAC 0.00001; TOPMed 0.00001.

Submissions (4):

Labcorp Genetics (formerly Invitae), Labcorp
Classification: Uncertain significance for Familial melanoma. Last evaluated: 2025-09-05. Review status: criteria provided, single submitter. Criteria: Invitae Variant Classification Sherloc (09022015). Collection method: clinical testing. Allele origin: germline.
Comment: This sequence change replaces leucine, which is neutral and non-polar, with methionine, which is neutral and non-polar, at codon 104 of the CDK4 protein (p.Leu104Met). This variant is present in population databases (rs759535768, gnomAD 0.0009%). This variant has not been reported in the literature in individuals affected with CDK4-related conditions. ClinVar contains an entry for this variant (Variation ID: 483291). An algorithm developed to predict the effect of missense changes on protein structure and function (PolyPhen-2) suggests that this variant is likely to be disruptive. In summary, the available evidence is currently insufficient to determine the role of this variant in disease. Therefore, it has been classified as a Variant of Uncertain Significance.

Ambry Genetics
Classification: Uncertain significance for Hereditary cancer-predisposing syndrome. Last evaluated: 2025-05-11. Review status: criteria provided, single submitter. Criteria: Ambry Variant Classification Scheme 2023. Collection method: clinical testing. Allele origin: germline.
Comment: The p.L104M variant (also known as c.310C>A), located in coding exon 2 of the CDK4 gene, results from a C to A substitution at nucleotide position 310. The leucine at codon 104 is replaced by methionine, an amino acid with highly similar properties. This amino acid position is well conserved in available vertebrate species. In addition, the in silico prediction for this alteration is inconclusive. Since supporting evidence is limited at this time, the clinical significance of this alteration remains unclear.

Center for Genomic Medicine, Rigshospitalet, Copenhagen University Hospital
Classification: Uncertain significance. Last evaluated: 2025-03-04. Review status: criteria provided, single submitter. Criteria: ACMG Guidelines, 2015. Collection method: clinical testing. Allele origin: germline.

Quest Diagnostics Nichols Institute San Juan Capistrano
Classification: Uncertain significance. Last evaluated: 2024-10-30. Review status: criteria provided, single submitter. Criteria: Quest Diagnostics criteria. Collection method: clinical testing. Allele origin: unknown.
Comment: The CDK4 c.310C>A (p.Leu104Met) variant has been reported in the published literature in an individual undergoing hereditary breast and ovarian cancer syndrome testing (PMID: 38136308 (2023)). The frequency of this variant in the general population, 0.000004 (1/251492 chromosomes (Genome Aggregation Database)), is uninformative in the assessment of its pathogenicity. Analysis of this variant using bioinformatics tools for the prediction of the effect of amino acid changes on protein structure and function yielded conflicting predictions that this variant is benign or damaging. Based on the available information, we are unable to determine the clinical significance of this variant.

Literature cited by the submitters: PubMed 38136308 (cited by Quest Diagnostics Nichols Institute San Juan Capistrano).